The following is an entry in ClinVar:

ClinVar aggregate classification (germline): Benign/Likely benign. Review status: criteria provided, multiple submitters, no conflicts (2 of 4 stars). 2 submissions from 2 submitters: Benign (1); Likely benign (1). Last evaluated 2019-04-21.

Conditions:
Pontoneocerebellar hypoplasia. Also called: Pontocerebellar hypoplasia; Non-syndromic pontocerebellar hypoplasia. Identifiers: Orphanet 98523, MedGen C1261175, MONDO:0020135.

Allele frequency attached by ClinVar (database versions not stated): gnomAD exomes 0.00053; gnomAD 0.00520 and 0.00549; TOPMed 0.00600; 1000 Genomes Project 0.00759; 1000 Genomes Project 30x 0.00812.
gnomAD v4.1: 1,587 of 1,537,510 alleles (0.1%); highest among the groups gnomAD compares: African/African-American, 1.9%; 13 homozygotes.

Submissions (2):

GeneDx
Classification: Likely benign. Last evaluated: 2019-04-21. Review status: criteria provided, single submitter. Criteria: GeneDx Variant Classification Process June 2021. Collection method: clinical testing. Allele origin: germline. Affected: yes.

Illumina Laboratory Services, Illumina
Classification: Benign for Pontoneocerebellar hypoplasia. Last evaluated: 2018-01-13. Review status: criteria provided, single submitter. Criteria: ICSL Variant Classification Criteria 13 December 2019. Collection method: clinical testing. Allele origin: germline.
Comment: This variant was observed in the ICSL laboratory as part of a predisposition screen in an ostensibly healthy population. It had not been previously curated by ICSL or reported in the Human Gene Mutation Database (HGMD: prior to June 1st, 2018), and was therefore a candidate for classification through an automated scoring system. Utilizing variant allele frequency, disease prevalence and penetrance estimates, and inheritance mode, an automated score was calculated to assess if this variant is too frequent to cause the disease. Based on the score and internal cut-off values, a variant classified as benign is not then subjected to further curation. The score for this variant resulted in a classification of benign for this disease.

NM_001077446.4(TSEN34):c.*175T>C

Gene: TSEN34 (tRNA splicing endonuclease subunit 34; plus strand). Cytogenetic location: 19q13.42.
Variant type: single nucleotide variant.
Coding change: c.*175T>C on transcript NM_001077446.4 (MANE Select); 175 bases downstream of the stop codon, T replaced by C.
Molecular consequence: 3 prime UTR variant. On other transcripts: intron variant (1).
Genome position (GRCh38, 1-based): chr19:54,193,537, T>C. VCF-style: chr19-54193537-T-C. GRCh37 (hg19) VCF-style: chr19-54697392-T-C.
Other names: c.*175T>C (NM_001282332.2, NM_001386740.1, NM_024075.5); c.890-85T>C (NM_001282333.2).
Identifiers: ClinVar variation 892734 (VCV000892734.7), dbSNP rs77548142, ClinGen allele CA309376796.